The following is an entry in ClinVar:

NM_001035.3(RYR2):c.8065A>G (p.Met2689Val)

Gene: RYR2 (ryanodine receptor 2; plus strand). Cytogenetic location: 1q43.
Variant type: single nucleotide variant.
Coding change: c.8065A>G on transcript NM_001035.3 (MANE Select); coding-DNA position 8065, A replaced by G.
Protein change: p.Met2689Val; replaces methionine 2689 with valine.
Molecular consequence: missense variant.
Genome position (GRCh38, 1-based): chr1:237,655,920, A>G. VCF-style: chr1-237655920-A-G. GRCh37 (hg19) VCF-style: chr1-237819220-A-G.
Other names: c.8065A>G (NM_001035.2); short protein forms M2689V.
Identifiers: ClinVar variation 920069 (VCV000920069.9), dbSNP rs1440224644, ClinGen allele CA345400944.

ClinVar aggregate classification (germline): Uncertain significance. Review status: criteria provided, multiple submitters, no conflicts (2 of 4 stars). 4 submissions from 4 submitters: Uncertain significance (4). Last evaluated 2025-04-11.

Conditions:
Catecholaminergic polymorphic ventricular tachycardia (CVPT). Also called: Catecholamine-induced polymorphic ventricular tachycardia. Identifiers: Orphanet 3286, MedGen C5574922, MONDO:0017990.
Cardiovascular phenotype. Identifiers: MedGen CN230736.
Cardiomyopathy (CMYO). Also called: Cardiomyopathies. Identifiers: Orphanet 167848, MedGen C0878544, MONDO:0004994, HP:0001638. Inheritance: Various modes of inheritance.
Catecholaminergic polymorphic ventricular tachycardia 1. Also called: VENTRICULAR TACHYCARDIA, CATECHOLAMINERGIC POLYMORPHIC, 1, WITH OR WITHOUT ATRIAL DYSFUNCTION AND/OR DILATED CARDIOMYOPATHY; RYR2-Related Catecholaminergic Polymorphic Ventricular Tachycardia; VENTRICULAR TACHYCARDIA, STRESS-INDUCED POLYMORPHIC 1. Identifiers: Orphanet 3286, MedGen C1631597, MONDO:0011484, OMIM 604772.

Allele frequency attached by ClinVar (database versions not stated): TOPMed below 0.00001; gnomAD 0.00001; gnomAD exomes 0.00001.
gnomAD v4.1: 9 of 1,613,040 alleles (0.00056%); highest among the groups gnomAD compares: Non-Finnish European, 0.00076%; no homozygotes.

Submissions (4):

Labcorp Genetics (formerly Invitae), Labcorp
Classification: Uncertain significance for Catecholaminergic polymorphic ventricular tachycardia 1. Last evaluated: 2025-04-11. Review status: criteria provided, single submitter. Criteria: Invitae Variant Classification Sherloc (09022015). Collection method: clinical testing. Allele origin: germline.
Comment: This sequence change replaces methionine, which is neutral and non-polar, with valine, which is neutral and non-polar, at codon 2689 of the RYR2 protein (p.Met2689Val). This variant is present in population databases (no rsID available, gnomAD 0.002%). This variant has not been reported in the literature in individuals affected with RYR2-related conditions. ClinVar contains an entry for this variant (Variation ID: 920069). Invitae Evidence Modeling of protein sequence and biophysical properties (such as structural, functional, and spatial information, amino acid conservation, physicochemical variation, residue mobility, and thermodynamic stability) indicates that this missense variant is not expected to disrupt RYR2 protein function with a negative predictive value of 95%. In summary, the available evidence is currently insufficient to determine the role of this variant in disease. Therefore, it has been classified as a Variant of Uncertain Significance.

Ambry Genetics
Classification: Uncertain significance for Cardiovascular phenotype. Last evaluated: 2025-01-14. Review status: criteria provided, single submitter. Criteria: Ambry Variant Classification Scheme 2023. Collection method: clinical testing. Allele origin: germline.
Comment: The p.M2689V variant (also known as c.8065A>G), located in coding exon 53 of the RYR2 gene, results from an A to G substitution at nucleotide position 8065. The methionine at codon 2689 is replaced by valine, an amino acid with highly similar properties. This amino acid position is well conserved in available vertebrate species. In addition, the in silico prediction for this alteration is inconclusive. Based on the available evidence, the clinical significance of this variant remains unclear.

Color Diagnostics, LLC DBA Color Health
Classification: Uncertain significance for Cardiomyopathy. Last evaluated: 2023-12-05. Review status: criteria provided, single submitter. Criteria: ACMG Guidelines, 2015. Collection method: clinical testing. Allele origin: germline.
Comment: This missense variant replaces methionine with valine at codon 2689 of the RYR2 protein. Computational prediction tools and conservation analyses are inconclusive regarding the impact of this variant on the protein function. Computational splicing tools suggest that this variant may not impact RNA splicing. To our knowledge, functional assays have not been performed for this variant nor has this variant been reported in individuals affected with cardiovascular disorders in the literature. This variant has been identified in 2/247420 chromosomes in the general population by the Genome Aggregation Database (gnomAD). Available evidence is insufficient to determine the role of this variant in disease conclusively. Therefore, this variant is classified as a Variant of Uncertain Significance.

All of Us Research Program, National Institutes of Health
Classification: Uncertain significance for Catecholaminergic polymorphic ventricular tachycardia. Last evaluated: 2023-11-20. Review status: criteria provided, single submitter. Criteria: ACMG Guidelines, 2015. Collection method: clinical testing. Allele origin: germline. Inheritance: Autosomal dominant inheritance. Observed: 1 variant allele, 1 heterozygote.
Comment: This missense variant replaces methionine with valine at codon 2689 of the RYR2 protein. Computational prediction tools and conservation analyses are inconclusive regarding the impact of this variant on the protein function. Computational splicing tools suggest that this variant may not impact RNA splicing. To our knowledge, functional assays have not been performed for this variant nor has this variant been reported in individuals affected with cardiovascular disorders in the literature. This variant has been identified in 2/247420 chromosomes in the general population by the Genome Aggregation Database (gnomAD). Available evidence is insufficient to determine the role of this variant in disease conclusively. Therefore, this variant is classified as a Variant of Uncertain Significance.

This study involves interpretation of variants in research participants for the purpose of population health screening. Participant phenotype was not available at the time of variant classification. Additional details can be found in publication PMID: 35346344, PMCID: PMC8962531